The following is an entry in ClinVar:

NM_006721.4(ADK):c.259A>G (p.Ile87Val)

Gene: ADK (adenosine kinase; plus strand). Cytogenetic location: 10q22.2.
Variant type: single nucleotide variant.
Coding change: c.259A>G on transcript NM_006721.4 (MANE Select); coding-DNA position 259, A replaced by G.
Protein change: p.Ile87Val; replaces isoleucine 87 with valine.
Molecular consequence: missense variant.
Genome position (GRCh38, 1-based): chr10:74,314,731, A>G. VCF-style: chr10-74314731-A-G. GRCh37 (hg19) VCF-style: chr10-76074489-A-G.
Other names: c.208A>G, p.Ile70Val (NM_001123.4, NM_001369124.1); c.154A>G, p.Ile52Val (NM_001202449.2); c.259A>G, p.Ile87Val (NM_001202450.2, NM_001369123.1); c.259A>G (NM_006721.3); short protein forms I70V, I87V, I52V.
Identifiers: ClinVar variation 300837 (VCV000300837.13), dbSNP rs201734294, ClinGen allele CA5563909.

ClinVar aggregate classification (germline): Uncertain significance. Review status: criteria provided, multiple submitters, no conflicts (2 of 4 stars). 3 submissions from 3 submitters: Uncertain significance (3). Last evaluated 2025-01-23.

Conditions:
Adenosine kinase deficiency. Also called: Hypermethioninemia due to adenosine kinase deficiency; MENTAL RETARDATION, AUTOSOMAL RECESSIVE 8. Identifiers: Orphanet 289290, Orphanet 88616, MedGen C4706555, MONDO:0100255, OMIM 614300.
ADK-related disorder. Also called: ADK-related condition.

Allele frequency attached by ClinVar (database versions not stated): TOPMed 0.00001; ExAC 0.00002; gnomAD exomes 0.00002 and 0.00003; gnomAD 0.00003; ESP Exome Variant Server 0.00008.
gnomAD v4.1: 41 of 1,611,700 alleles (0.0025%); highest among the groups gnomAD compares: Non-Finnish European, 0.0031%; no homozygotes.

Submissions (3):

PreventionGenetics, part of Exact Sciences
Classification: Uncertain significance for ADK-related condition. Last evaluated: 2025-01-23. Review status: criteria provided, single submitter. Criteria: ACMG Guidelines, 2015. Collection method: clinical testing. Allele origin: germline.
Comment: The ADK c.259A>G variant is predicted to result in the amino acid substitution p.Ile87Val. To our knowledge, this variant has not been reported in the literature. This variant is reported in 0.0033% of alleles in individuals of South Asian descent in gnomAD. At this time, the clinical significance of this variant is uncertain due to the absence of conclusive functional and genetic evidence.

Labcorp Genetics (formerly Invitae), Labcorp
Classification: Uncertain significance. Last evaluated: 2024-03-04. Review status: criteria provided, single submitter. Criteria: Invitae Variant Classification Sherloc (09022015). Collection method: clinical testing. Allele origin: germline.
Comment: This sequence change replaces isoleucine, which is neutral and non-polar, with valine, which is neutral and non-polar, at codon 70 of the ADK protein (p.Ile70Val). This variant is present in population databases (rs201734294, gnomAD 0.004%). This variant has not been reported in the literature in individuals affected with ADK-related conditions. ClinVar contains an entry for this variant (Variation ID: 300837). Advanced modeling of protein sequence and biophysical properties (such as structural, functional, and spatial information, amino acid conservation, physicochemical variation, residue mobility, and thermodynamic stability) performed at Invitae indicates that this missense variant is not expected to disrupt ADK protein function with a negative predictive value of 80%. In summary, the available evidence is currently insufficient to determine the role of this variant in disease. Therefore, it has been classified as a Variant of Uncertain Significance.

Illumina Laboratory Services, Illumina
Classification: Uncertain significance for Adenosine kinase deficiency. Last evaluated: 2018-01-13. Review status: criteria provided, single submitter. Criteria: ICSL Variant Classification Criteria 13 December 2019. Collection method: clinical testing. Allele origin: germline.